The following is an entry in ClinVar:

NM_019842.4(KCNQ5):c.*11_*12del

Gene: KCNQ5 (potassium voltage-gated channel subfamily Q member 5; plus strand). Cytogenetic location: 6q13.
Variant type: Deletion.
Coding change: c.*11_*12del on transcript NM_019842.4 (MANE Select); 11 bases downstream of the stop codon through 12 bases downstream of the stop codon, 2 bases deleted (TT; older notation c.*11_*12delTT).
Molecular consequence: 3 prime UTR variant.
Genome position (GRCh38, 1-based): chr6:73,195,425-73,195,426, TT deleted; deleting any 2 consecutive bases within chr6:73,195,423-73,195,426 gives the same sequence; the c. name uses the placement nearest the transcript's 3' end. VCF-style (leftmost placement, unchanged base first): chr6-73195422-ATT-A. GRCh37 (hg19) VCF-style: chr6-73905145-ATT-A.
Other names: c.*11_*12del (NM_001160130.2, NM_001160132.2, NM_001160133.2 and 1 more transcripts); c.*11_*12delTT (NM_001160133.2).
Identifiers: ClinVar variation 2691309 (VCV002691309.1), dbSNP rs1765754636, ClinGen allele CA1090469561.
Genomic context (GRCh38, chr6:73,195,422, plus strand): 5'-AGGCAGGAGAAAGTACAGATGCCCTCAGCTTGCCTCATGTCAAACTGAAATAAGTTCTTC[ATT>A]TTCTTTCCAGGCATAGCAGTTCTTTAGCCATACATATCATTGCATGAACTATTTCGAAAG-3'

ClinVar aggregate classification (germline): Uncertain significance (1 of 4 stars; one submission).

Submission:

Women's Health and Genetics/Laboratory Corporation of America, LabCorp
Classification: Uncertain significance. Last evaluated: 2023-12-18. Review status: criteria provided, single submitter. Criteria: LabCorp Variant Classification Summary - May 2015. Collection method: clinical testing. Allele origin: germline.
Comment: Variant summary: KCNQ5 c.*11_*12delTT is located in the untranslated mRNA region downstream of the termination codon. The variant was absent in 246792 control chromosomes (gnomAD). The available data on variant occurrences in the general population are insufficient to allow any conclusion about variant significance. To our knowledge, no occurrence of c.*11_*12delTT in individuals affected with Intellectual Disability, Autosomal Dominant 46 and no experimental evidence demonstrating its impact on protein function have been reported. No submitters have cited clinical-significance assessments for this variant to ClinVar after 2014. Based on the evidence outlined above, the variant was classified as uncertain significance.